The following is an entry in ClinVar:

NM_007110.5(TEP1):c.6787C>T (p.Arg2263Trp)

Gene: TEP1 (telomerase associated protein 1; minus strand). Cytogenetic location: 14q11.2.
Variant type: single nucleotide variant.
Coding change: c.6787C>T on transcript NM_007110.5 (MANE Select); coding-DNA position 6787, C replaced by T.
Protein change: p.Arg2263Trp; replaces arginine 2263 with tryptophan.
Molecular consequence: missense variant.
Genome position (GRCh38, 1-based): chr14:20,373,297, G>A on the plus strand (C>T on the coding strand, the complement: TEP1 is on the minus strand). VCF-style: chr14-20373297-G-A. GRCh37 (hg19) VCF-style: chr14-20841456-G-A.
Other names: c.6463C>T, p.Arg2155Trp (NM_001319035.2); short protein forms R2155W, R2263W.
Identifiers: ClinVar variation 3341660 (VCV003341660.16).

ClinVar aggregate classification (germline): Likely benign (1 of 4 stars; one submission).

gnomAD v4.1: 824 of 1,614,126 alleles (0.051%); highest among the groups gnomAD compares: African/African-American, 0.94%; 3 homozygotes.

Submission:

CeGaT Center for Human Genetics Tuebingen
Classification: Likely benign. Last evaluated: 2024-08-01. Review status: criteria provided, single submitter. Criteria: CeGaT Center For Human Genetics Tuebingen Variant Classification Criteria Version 2. Collection method: clinical testing. Allele origin: germline. Affected: yes. Observed: 1 variant allele.
Comment: TEP1: BP4, BS2